The following is an entry in ClinVar:

NM_000256.3(MYBPC3):c.1692C>A (p.Phe564Leu)

Gene: MYBPC3 (myosin binding protein C3; minus strand). Cytogenetic location: 11p11.2.
Variant type: single nucleotide variant.
Coding change: c.1692C>A on transcript NM_000256.3 (MANE Select); coding-DNA position 1692, C replaced by A.
Protein change: p.Phe564Leu; replaces phenylalanine 564 with leucine.
Molecular consequence: missense variant.
Genome position (GRCh38, 1-based): chr11:47,342,089, G>T on the plus strand (C>A on the coding strand, the complement: MYBPC3 is on the minus strand). VCF-style: chr11-47342089-G-T. GRCh37 (hg19) VCF-style: chr11-47363640-G-T.
Other names: short protein forms F564L.
Identifiers: ClinVar variation 3230869 (VCV003230869.3), dbSNP rs2495761357, ClinGen allele CA380324362.

ClinVar aggregate classification (germline): Uncertain significance. Review status: criteria provided, multiple submitters, no conflicts (2 of 4 stars). 2 submissions from 2 submitters: Uncertain significance (2). Last evaluated 2024-07-24.

Conditions:
Cardiovascular phenotype. Identifiers: MedGen CN230736.
Hypertrophic cardiomyopathy. Also called: HYPERTROPHIC MYOCARDIOPATHY. Identifiers: Orphanet 217569, MedGen C0007194, MeSH D002312, MONDO:0005045, HP:0001639.

Submissions (2):

Labcorp Genetics (formerly Invitae), Labcorp
Classification: Uncertain significance for Hypertrophic cardiomyopathy. Last evaluated: 2024-07-24. Review status: criteria provided, single submitter. Criteria: Invitae Variant Classification Sherloc (09022015). Collection method: clinical testing. Allele origin: germline.
Comment: This sequence change replaces phenylalanine, which is neutral and non-polar, with leucine, which is neutral and non-polar, at codon 564 of the MYBPC3 protein (p.Phe564Leu). This variant is not present in population databases (gnomAD no frequency). This variant has not been reported in the literature in individuals affected with MYBPC3-related conditions. An algorithm developed to predict the effect of missense changes on protein structure and function (PolyPhen-2) suggests that this variant is likely to be disruptive. In summary, the available evidence is currently insufficient to determine the role of this variant in disease. Therefore, it has been classified as a Variant of Uncertain Significance.

Ambry Genetics
Classification: Uncertain significance for Cardiovascular phenotype. Last evaluated: 2024-01-03. Review status: criteria provided, single submitter. Criteria: Ambry Variant Classification Scheme 2023. Collection method: clinical testing. Allele origin: germline.
Comment: The p.F564L variant (also known as c.1692C>A), located in coding exon 18 of the MYBPC3 gene, results from a C to A substitution at nucleotide position 1692. The phenylalanine at codon 564 is replaced by leucine, an amino acid with highly similar properties. This amino acid position is conserved. In addition, the in silico prediction for this alteration is inconclusive. Since supporting evidence is limited at this time, the clinical significance of this alteration remains unclear.